The following is an entry in ClinVar:

ClinVar aggregate classification (germline): Uncertain significance (1 of 4 stars; one submission).

Submission:

Labcorp Genetics (formerly Invitae), Labcorp
Classification: Uncertain significance. Last evaluated: 2022-03-02. Review status: criteria provided, single submitter. Criteria: Invitae Variant Classification Sherloc (09022015). Collection method: clinical testing. Allele origin: germline.
Comment: In summary, the available evidence is currently insufficient to determine the role of this variant in disease. Therefore, it has been classified as a Variant of Uncertain Significance. Advanced modeling of protein sequence and biophysical properties (such as structural, functional, and spatial information, amino acid conservation, physicochemical variation, residue mobility, and thermodynamic stability) performed at Invitae indicates that this missense variant is not expected to disrupt ABCA4 protein function. This variant has not been reported in the literature in individuals affected with ABCA4-related conditions. This variant is not present in population databases (gnomAD no frequency). This sequence change replaces glycine, which is neutral and non-polar, with aspartic acid, which is acidic and polar, at codon 1423 of the ABCA4 protein (p.Gly1423Asp).

NM_000350.3(ABCA4):c.4268G>A (p.Gly1423Asp)

Gene: ABCA4 (ATP binding cassette subfamily A member 4; minus strand). Cytogenetic location: 1p22.1.
Variant type: single nucleotide variant.
Coding change: c.4268G>A on transcript NM_000350.3 (MANE Select); coding-DNA position 4268, G replaced by A.
Protein change: p.Gly1423Asp; replaces glycine 1423 with aspartic acid.
Molecular consequence: missense variant.
Genome position (GRCh38, 1-based): chr1:94,030,512, C>T on the plus strand (G>A on the coding strand, the complement: ABCA4 is on the minus strand). VCF-style: chr1-94030512-C-T. GRCh37 (hg19) VCF-style: chr1-94496068-C-T.
Other names: c.4046G>A, p.Gly1349Asp (NM_001425324.1); short protein forms G1423D, G1349D.
Identifiers: ClinVar variation 1366842 (VCV001366842.8), dbSNP rs2101035044, ClinGen allele CA341285912.